The following is an entry in ClinVar:

NM_001191061.2(SLC25A22):c.752C>T (p.Thr251Met)

Gene: SLC25A22 (solute carrier family 25 member 22; minus strand). Cytogenetic location: 11p15.5.
Variant type: single nucleotide variant.
Coding change: c.752C>T on transcript NM_001191061.2 (MANE Select); coding-DNA position 752, C replaced by T.
Protein change: p.Thr251Met; replaces threonine 251 with methionine.
Molecular consequence: missense variant.
Genome position (GRCh38, 1-based): chr11:792,208, G>A on the plus strand (C>T on the coding strand, the complement: SLC25A22 is on the minus strand). VCF-style: chr11-792208-G-A. GRCh37 (hg19) VCF-style: chr11-792208-G-A.
Other names: c.752C>T, p.Thr251Met (NM_001191060.2, NM_024698.6); short protein forms T251M.
Identifiers: ClinVar variation 937762 (VCV000937762.31), dbSNP rs1332876414, ClinGen allele CA378967961.

ClinVar aggregate classification (germline): Uncertain significance. Review status: criteria provided, multiple submitters, no conflicts (2 of 4 stars). 2 submissions from 2 submitters: Uncertain significance (2). Last evaluated 2022-09-06.

Conditions:
Developmental and epileptic encephalopathy. Identifiers: MedGen C5779964, MONDO:0100620.

Allele frequency attached by ClinVar (database versions not stated): gnomAD exomes below 0.00001 and 0.00001; gnomAD 0.00001; TOPMed 0.00001.
gnomAD v4.1: 7 of 1,612,856 alleles (0.00043%); highest among the groups gnomAD compares: Admixed American, 0.005%; no homozygotes.

Submissions (2):

Labcorp Genetics (formerly Invitae), Labcorp
Classification: Uncertain significance for Early-infantile DEE. Last evaluated: 2022-09-06. Review status: criteria provided, single submitter. Criteria: Invitae Variant Classification Sherloc (09022015). Collection method: clinical testing. Allele origin: germline.
Comment: This sequence change replaces threonine, which is neutral and polar, with methionine, which is neutral and non-polar, at codon 251 of the SLC25A22 protein (p.Thr251Met). This variant is present in population databases (no rsID available, gnomAD 0.009%). This variant has not been reported in the literature in individuals affected with SLC25A22-related conditions. ClinVar contains an entry for this variant (Variation ID: 937762). Algorithms developed to predict the effect of missense changes on protein structure and function (SIFT, PolyPhen-2, Align-GVGD) all suggest that this variant is likely to be disruptive. In summary, the available evidence is currently insufficient to determine the role of this variant in disease. Therefore, it has been classified as a Variant of Uncertain Significance.

CeGaT Center for Human Genetics Tuebingen
Classification: Uncertain significance. Last evaluated: 2022-05-01. Review status: criteria provided, single submitter. Criteria: CeGaT Center For Human Genetics Tuebingen Variant Classification Criteria Version 2. Collection method: clinical testing. Allele origin: germline. Affected: yes. Observed: 1 variant allele.
Comment: SLC25A22: PM2, PP3